The following is an entry in ClinVar:

NM_004991.4(MECOM):c.2069C>A (p.Pro690His)

Gene: MECOM (MDS1 and EVI1 complex locus; minus strand). Cytogenetic location: 3q26.2.
Variant type: single nucleotide variant.
Coding change: c.2069C>A on transcript NM_004991.4 (MANE Select); coding-DNA position 2069, C replaced by A.
Protein change: p.Pro690His; replaces proline 690 with histidine.
Molecular consequence: missense variant. On other transcripts: intron variant (2).
Genome position (GRCh38, 1-based): chr3:169,115,803, G>T on the plus strand (C>A on the coding strand, the complement: MECOM is on the minus strand). VCF-style: chr3-169115803-G-T. GRCh37 (hg19) VCF-style: chr3-168833591-G-T.
Other names: c.1700C>A, p.Pro567His (NM_001105077.4); c.1505C>A, p.Pro502His (NM_001105078.4, NM_001164000.2, NM_001205194.2 and 4 more transcripts); c.1508C>A, p.Pro503His (NM_001163999.2, NM_001366467.2, NM_001366468.2 and 1 more transcripts); c.2069C>A, p.Pro690His (NM_001366466.2); c.1133-36C>A (NM_001366473.2); c.569-36C>A (NM_001366474.2); short protein forms P502H, P567H, P503H, P690H.
Identifiers: ClinVar variation 4105874 (VCV004105874.1).

ClinVar aggregate classification (germline): Uncertain significance (1 of 4 stars; one submission).

Conditions:
Inborn genetic diseases. Identifiers: MedGen C0950123, MeSH D030342.

Submission:

Ambry Genetics
Classification: Uncertain significance for Inborn genetic diseases. Last evaluated: 2025-08-24. Review status: criteria provided, single submitter. Criteria: Ambry Variant Classification Scheme 2023. Collection method: clinical testing. Allele origin: germline.
Comment: The p.P690H variant (also known as c.2069C>A), located in coding exon 8 of the MECOM gene, results from a C to A substitution at nucleotide position 2069. The proline at codon 690 is replaced by histidine, an amino acid with similar properties. This amino acid position is conserved. In addition, the in silico prediction for this alteration is inconclusive. Based on the available evidence, the clinical significance of this variant remains unclear.